The following is an entry in ClinVar:

NM_002730.4(PRKACA):c.321C>G (p.Leu107=)

Gene: PRKACA (protein kinase cAMP-activated catalytic subunit alpha; minus strand). Cytogenetic location: 19p13.12.
Variant type: single nucleotide variant.
Coding change: c.321C>G on transcript NM_002730.4 (MANE Select); coding-DNA position 321, C replaced by G.
Protein change: p.Leu107=; no amino-acid change (leucine 107 retained).
Molecular consequence: synonymous variant.
Genome position (GRCh38, 1-based): chr19:14,102,831, G>C on the plus strand (C>G on the coding strand, the complement: PRKACA is on the minus strand). VCF-style: chr19-14102831-G-C. GRCh37 (hg19) VCF-style: chr19-14213643-G-C.
Other names: c.549C>G, p.Leu183= (NM_001304349.2); c.297C>G, p.Leu99= (NM_207518.3).
Identifiers: ClinVar variation 2649414 (VCV002649414.24), dbSNP rs148811989, ClinGen allele CA9249382.
Genomic context (GRCh38, chr19:14,102,831, plus strand): 5'-GGACCCAATGCAGTGACCCCCCGCCCTTGGCCACTGGGACCCCACCTTGAAGGAGAACTC[G>C]AGTTTGACGAGGAACGGAAAGTTGACAGCTTGCAGGATGCGCTTTTCATTCAGGGTGTGT-3'
Protein context (NP_002721.1, residues 97-117): QAVNFPFLVK[Leu107=]EFSFKDNSNL

ClinVar aggregate classification (germline): Likely benign (1 of 4 stars; one submission).

Allele frequency attached by ClinVar (database versions not stated): 1000 Genomes Project 30x 0.00031; ESP Exome Variant Server 0.00008; 1000 Genomes Project 0.00020.
gnomAD v4.1: 156 of 1,614,040 alleles (0.0097%); highest among the groups gnomAD compares: Non-Finnish European, 0.012%; no homozygotes.

Submission:

CeGaT Center for Human Genetics Tuebingen
Classification: Likely benign. Last evaluated: 2022-07-01. Review status: criteria provided, single submitter. Criteria: CeGaT Center For Human Genetics Tuebingen Variant Classification Criteria Version 2. Collection method: clinical testing. Allele origin: germline. Affected: yes. Observed: 1 variant allele.
Comment: PRKACA: BP4, BP7